The following is an entry in ClinVar:

NM_001267550.2(TTN):c.62851G>C (p.Glu20951Gln)

Genes: TTN (titin; minus strand), TTN-AS1 (TTN antisense RNA 1; plus strand). Cytogenetic location: 2q31.2.
Variant type: single nucleotide variant.
Coding change: c.62851G>C on transcript NM_001267550.2 (MANE Select); coding-DNA position 62851, G replaced by C.
Protein change: p.Glu20951Gln; replaces glutamic acid 20951 with glutamine.
Molecular consequence: missense variant.
Genome position (GRCh38, 1-based): chr2:178,588,874, C>G on the plus strand (G>C on the coding strand, the complement: TTN is on the minus strand). VCF-style: chr2-178588874-C-G. GRCh37 (hg19) VCF-style: chr2-179453601-C-G.
Other names: c.57928G>C, p.Glu19310Gln (NM_001256850.1); c.35656G>C, p.Glu11886Gln (NM_003319.4); c.55147G>C, p.Glu18383Gln (NM_133378.4); c.36031G>C, p.Glu12011Gln (NM_133432.3); c.36232G>C, p.Glu12078Gln (NM_133437.4); short protein forms E11886Q, E12011Q, E12078Q, E18383Q, E19310Q, E20951Q.
Identifiers: ClinVar variation 3234813 (VCV003234813.20), dbSNP rs2469369108, ClinGen allele CA349459768.

ClinVar aggregate classification (germline): Uncertain significance (1 of 4 stars; one submission).

Allele frequency attached by ClinVar (database versions not stated): gnomAD exomes 0.00001.
gnomAD v4.1: 7 of 1,613,284 alleles (0.00043%); highest among the groups gnomAD compares: South Asian, 0.0077%; no homozygotes.

Submission:

CeGaT Center for Human Genetics Tuebingen
Classification: Uncertain significance. Last evaluated: 2024-04-01. Review status: criteria provided, single submitter. Criteria: CeGaT Center For Human Genetics Tuebingen Variant Classification Criteria Version 2. Collection method: clinical testing. Allele origin: germline. Affected: yes. Observed: 1 variant allele.
Comment: TTN: PM2, BP4